The following is an entry in ClinVar:

NM_000137.4(FAH):c.1182G>C (p.Gly394=)

Gene: FAH (fumarylacetoacetate hydrolase; plus strand). Cytogenetic location: 15q25.1.
Variant type: single nucleotide variant.
Coding change: c.1182G>C on transcript NM_000137.4 (MANE Select); coding-DNA position 1182, G replaced by C.
Protein change: p.Gly394=; no amino-acid change (glycine 394 retained).
Molecular consequence: synonymous variant.
Genome position (GRCh38, 1-based): chr15:80,186,131, G>C. VCF-style: chr15-80186131-G-C. GRCh37 (hg19) VCF-style: chr15-80478473-G-C.
Other names: c.1182G>C, p.Gly394= (NM_001374377.1, NM_001374380.1).
Identifiers: ClinVar variation 2827651 (VCV002827651.5), dbSNP rs2142112592, ClinGen allele CA491688703.

ClinVar aggregate classification (germline): Likely benign. Review status: criteria provided, multiple submitters, no conflicts (2 of 4 stars). 2 submissions from 2 submitters: Likely benign (2). Last evaluated 2026-06-01.

Conditions:
Tyrosinemia type I (TYRSN1). Also called: FAH DEFICIENCY; Tyrosinemia type 1; Fumarylacetoacetase deficiency; Deficiency of fumarylacetoacetase; HEPATORENAL TYROSINEMIA. Identifiers: Orphanet 882, MedGen C0268490, MONDO:0010161, OMIM 276700. Disease mechanism: loss of function.

Submissions (2):

CeGaT Center for Human Genetics Tuebingen
Classification: Likely benign. Last evaluated: 2026-06-01. Review status: criteria provided, single submitter. Criteria: CeGaT Center For Human Genetics Tuebingen Variant Classification Criteria Version 2. Collection method: clinical testing. Allele origin: germline. Affected: yes. Observed: 1 variant allele.
Comment: FAH: BP4, BP7

Labcorp Genetics (formerly Invitae), Labcorp
Classification: Likely benign for Tyrosinemia type I. Last evaluated: 2024-09-12. Review status: criteria provided, single submitter. Criteria: Invitae Variant Classification Sherloc (09022015). Collection method: clinical testing. Allele origin: germline.